The following is an entry in ClinVar:

NM_001134363.3(RBM20):c.3451+234A>G

Gene: RBM20 (RNA binding motif protein 20; plus strand). Cytogenetic location: 10q25.2.
Variant type: single nucleotide variant.
Coding change: c.3451+234A>G on transcript NM_001134363.3 (MANE Select); 234 bases into the intron after coding-DNA position 3451, A replaced by G.
Molecular consequence: intron variant.
Genome position (GRCh38, 1-based): chr10:110,823,848, A>G. VCF-style: chr10-110823848-A-G. GRCh37 (hg19) VCF-style: chr10-112583606-A-G.
Identifiers: ClinVar variation 678595 (VCV000678595.1), dbSNP rs4918595, ClinGen allele CA13367142.

ClinVar aggregate classification (germline): Benign (1 of 4 stars; one submission).

Allele frequency attached by ClinVar (database versions not stated): gnomAD 0.49122 and 0.49671; TOPMed 0.50141; 1000 Genomes Project 30x 0.54044; 1000 Genomes Project 0.54932.
gnomAD v4.1: 75,286 of 151,468 alleles (50%); highest among the groups gnomAD compares: East Asian, 65%; 19,055 homozygotes.

Submission:

GeneDx
Classification: Benign. Last evaluated: 2018-06-18. Review status: criteria provided, single submitter. Criteria: GeneDx Variant Classification (06012015). Collection method: clinical testing. Allele origin: germline. Affected: yes.
Comment: This variant is considered likely benign or benign based on one or more of the following criteria: it is a conservative change, it occurs at a poorly conserved position in the protein, it is predicted to be benign by multiple in silico algorithms, and/or has population frequency not consistent with disease.